The following is an entry in ClinVar:

NM_001018115.3(FANCD2):c.2989C>T (p.Arg997Trp)

Gene: FANCD2 (FA complementation group D2; plus strand). Cytogenetic location: 3p25.3.
Variant type: single nucleotide variant.
Coding change: c.2989C>T on transcript NM_001018115.3 (MANE Select); coding-DNA position 2989, C replaced by T.
Protein change: p.Arg997Trp; replaces arginine 997 with tryptophan.
Molecular consequence: missense variant.
Genome position (GRCh38, 1-based): chr3:10,081,112, C>T. VCF-style: chr3-10081112-C-T. GRCh37 (hg19) VCF-style: chr3-10122796-C-T.
Other names: c.2989C>T, p.Arg997Trp (NM_001319984.2, NM_001374254.1, NM_033084.6); c.2878C>T, p.Arg960Trp (NM_001374253.1); c.2989C>T (NM_033084.4); short protein forms R997W, R960W.
Identifiers: ClinVar variation 134321 (VCV000134321.10), dbSNP rs587778330, ClinGen allele CA159478.

ClinVar aggregate classification (germline): Uncertain significance. Review status: criteria provided, multiple submitters, no conflicts (2 of 4 stars). 4 submissions from 4 submitters: Uncertain significance (3). 1 of the submissions does not count toward it. Last evaluated 2024-06-17.

Conditions:
Fanconi anemia (FA). Also called: Fanconi's anemia. Identifiers: Orphanet 84, MedGen C0015625, MeSH D005199, MONDO:0019391.
Fanconi anemia complementation group D2. Also called: FANCD2-Related Fanconi Anemia; FANCONI PANCYTOPENIA, TYPE 4; FANCONI ANEMIA, COMPLEMENTATION GROUP D. Identifiers: Orphanet 84, MedGen C3160738, MONDO:0009214, OMIM 227646.

Allele frequency attached by ClinVar (database versions not stated): TOPMed below 0.00001; ExAC 0.00001; gnomAD 0.00001; gnomAD exomes 0.00002.
gnomAD v4.1: 22 of 1,613,914 alleles (0.0014%); highest among the groups gnomAD compares: East Asian, 0.0089%; no homozygotes.

Submissions (4):

Fulgent Genetics
Classification: Uncertain significance for Fanconi anemia complementation group D2. Last evaluated: 2024-06-17. Review status: criteria provided, single submitter. Criteria: ACMG Guidelines, 2015. Collection method: clinical testing. Allele origin: germline.

Labcorp Genetics (formerly Invitae), Labcorp
Classification: Uncertain significance for Fanconi anemia. Last evaluated: 2022-07-22. Review status: criteria provided, single submitter. Criteria: Invitae Variant Classification Sherloc (09022015). Collection method: clinical testing. Allele origin: germline.
Comment: This sequence change replaces arginine, which is basic and polar, with tryptophan, which is neutral and slightly polar, at codon 997 of the FANCD2 protein (p.Arg997Trp). This variant is present in population databases (rs587778330, gnomAD 0.006%). This variant has not been reported in the literature in individuals affected with FANCD2-related conditions. ClinVar contains an entry for this variant (Variation ID: 134321). Algorithms developed to predict the effect of missense changes on protein structure and function output the following: SIFT: "Deleterious"; PolyPhen-2: "Benign"; Align-GVGD: "Class C0". The tryptophan amino acid residue is found in multiple mammalian species, which suggests that this missense change does not adversely affect protein function. In summary, the available evidence is currently insufficient to determine the role of this variant in disease. Therefore, it has been classified as a Variant of Uncertain Significance.

Sema4
Classification: Uncertain significance for Fanconi anemia. Last evaluated: 2021-09-25. Review status: criteria provided, single submitter. Criteria: Sema4 Curation Guidelines. Collection method: curation. Allele origin: germline.
Comment: The FANCD2 c.2989C>T (p.R997W) variant has been reported in heterozygosity in at least one healthy individual unselected for cancer history (PMID: 24728327). It was observed in 2/18394 chromosomes of the East Asian subpopulation in the large and broad cohorts of the Genome Aggregation Database (PMID: 32461654). The variant has been reported in ClinVar (Variation ID 134321). Functional studies have not been performed, and in silico predictions of the variant's effect on protein function are inconclusive. The evidence is insufficient to meet ACMG/AMP criteria for classifying the variant as benign or pathogenic. Thus, the clinical significance of this variant is currently uncertain.

ITMI
No classification provided. Condition: AllHighlyPenetrant. Last evaluated: 2013-09-19. Review status: no classification provided. Collection method: reference population. Allele origin: germline. Not counted in ClinVar's aggregate classification.
Comment: Please see associated publication for description of ethnicities

Literature cited by the submitters: PubMed 24728327 (cited by Sema4 and ITMI).